The following is an entry in ClinVar:

NM_181426.2(CCDC39):c.880A>G (p.Arg294Gly)

Gene: CCDC39 (coiled-coil domain 39 molecular ruler complex subunit; minus strand). Cytogenetic location: 3q26.33.
Variant type: single nucleotide variant.
Coding change: c.880A>G on transcript NM_181426.2 (MANE Select); coding-DNA position 880, A replaced by G.
Protein change: p.Arg294Gly; replaces arginine 294 with glycine.
Molecular consequence: missense variant.
Genome position (GRCh38, 1-based): chr3:180,654,812, T>C on the plus strand (A>G on the coding strand, the complement: CCDC39 is on the minus strand). VCF-style: chr3-180654812-T-C. GRCh37 (hg19) VCF-style: chr3-180372600-T-C.
Other names: short protein forms R294G.
Identifiers: ClinVar variation 344274 (VCV000344274.23), dbSNP rs61733577, ClinGen allele CA2716064.

ClinVar aggregate classification (germline): Conflicting classifications of pathogenicity. Review status: criteria provided, conflicting classifications (1 of 4 stars). 6 submissions from 6 submitters: Uncertain significance (2); Benign (1); Likely benign (2). 1 of the submissions does not count toward it. Last evaluated 2026-01-24.

Conditions:
CCDC39-related disorder. Also called: CCDC39-related condition.
Primary ciliary dyskinesia. Also called: Ciliary dyskinesia. Identifiers: Orphanet 244, MedGen C0008780, MONDO:0016575, HP:0012265.
Primary ciliary dyskinesia 14. Also called: CILIARY DYSKINESIA, PRIMARY, 14, WITH OR WITHOUT SITUS INVERSUS. Identifiers: Orphanet 244, MedGen C3151136, MONDO:0013434, OMIM 613807.

Allele frequency attached by ClinVar (database versions not stated): gnomAD exomes 0.00055 and 0.00058; ExAC 0.00080; TOPMed 0.00144; gnomAD 0.00145 and 0.00156; ESP Exome Variant Server 0.00186; 1000 Genomes Project 0.00220; 1000 Genomes Project 30x 0.00250.
gnomAD v4.1: 1,005 of 1,611,292 alleles (0.062%); highest among the groups gnomAD compares: African/African-American, 0.42%; no homozygotes.

Submissions (6):

Labcorp Genetics (formerly Invitae), Labcorp
Classification: Likely benign for Primary ciliary dyskinesia. Last evaluated: 2026-01-24. Review status: criteria provided, single submitter. Criteria: Invitae Variant Classification Sherloc (09022015). Collection method: clinical testing. Allele origin: germline.

GeneDx
Classification: Uncertain significance. Last evaluated: 2025-08-19. Review status: criteria provided, single submitter. Criteria: GeneDx Variant Classification Process June 2021. Collection method: clinical testing. Allele origin: germline. Affected: yes.
Comment: In silico analysis supports that this missense variant has a deleterious effect on protein structure/function; Has not been previously published as pathogenic or benign to our knowledge

Blueprint Genetics
Classification: Likely benign. Last evaluated: 2024-10-23. Review status: criteria provided, single submitter. Criteria: ACMG Guidelines, 2015. Collection method: clinical testing. Allele origin: germline.

Ambry Genetics
Classification: Benign for Primary ciliary dyskinesia. Last evaluated: 2018-03-30. Review status: criteria provided, single submitter. Criteria: Ambry Variant Classification Scheme 2023. Collection method: clinical testing. Allele origin: germline.

Illumina Laboratory Services, Illumina
Classification: Uncertain significance for Primary ciliary dyskinesia 14. Last evaluated: 2018-01-12. Review status: criteria provided, single submitter. Criteria: ICSL Variant Classification Criteria 13 December 2019. Collection method: clinical testing. Allele origin: germline.

PreventionGenetics, part of Exact Sciences
Classification: Likely benign for CCDC39-related condition. Last evaluated: 2024-04-10. Review status: no assertion criteria provided. Collection method: clinical testing. Allele origin: germline. Not counted in ClinVar's aggregate classification.
Comment: This variant is classified as likely benign based on ACMG/AMP sequence variant interpretation guidelines (Richards et al. 2015 PMID: 25741868, with internal and published modifications).